The following is an entry in ClinVar:

NM_004369.4(COL6A3):c.4826T>A (p.Ile1609Asn)

Gene: COL6A3 (collagen type VI alpha 3 chain; minus strand). Cytogenetic location: 2q37.3.
Variant type: single nucleotide variant.
Coding change: c.4826T>A on transcript NM_004369.4 (MANE Select); coding-DNA position 4826, T replaced by A.
Protein change: p.Ile1609Asn; replaces isoleucine 1609 with asparagine.
Molecular consequence: missense variant.
Genome position (GRCh38, 1-based): chr2:237,368,637, A>T on the plus strand (T>A on the coding strand, the complement: COL6A3 is on the minus strand). VCF-style: chr2-237368637-A-T. GRCh37 (hg19) VCF-style: chr2-238277280-A-T.
Other names: c.3005T>A, p.Ile1002Asn (NM_057166.5); c.4208T>A, p.Ile1403Asn (NM_057167.4); short protein forms I1002N, I1609N, I1403N.
Identifiers: ClinVar variation 2620319 (VCV002620319.5), dbSNP rs1185365265, ClinGen allele CA351190850.
Genomic context (GRCh38, chr2:237,368,637, plus strand): 5'-GGAGGGGTGTCCACCCCTGGAGGTGCAGGAGTGGCTGCGGAGGGTCCAAACGAGTTCATG[A>T]TTCTTTCTTCTATGTTGGGAAGCTCTCTGAACTCTCGCACTGTGAAGACCAGTCTGGGGT-3'
Protein context (NP_004360.2, residues 1599-1619): FRELPNIEER[Ile1609Asn]MNSFGPSAAT

ClinVar aggregate classification (germline): Uncertain significance. Review status: criteria provided, multiple submitters, no conflicts (2 of 4 stars). 2 submissions from 2 submitters: Uncertain significance (2). Last evaluated 2023-08-21.

Conditions:
Inborn genetic diseases. Identifiers: MedGen C0950123, MeSH D030342.
Bethlem myopathy 1A. Also called: MYOPATHY, BENIGN CONGENITAL, WITH CONTRACTURES; Bethlem Muscular Dystrophy; Bethlem myopathy 1. Identifiers: Orphanet 610, MedGen CN029274, MONDO:0024530, OMIM 158810.

gnomAD v4.1: 1 of 1,614,022 alleles (0.000062%); highest among the groups gnomAD compares: Non-Finnish European, 0.000085%; no homozygotes.

Submissions (2):

Ambry Genetics
Classification: Uncertain significance for Inborn genetic diseases. Last evaluated: 2023-08-21. Review status: criteria provided, single submitter. Criteria: Ambry Variant Classification Scheme 2023. Collection method: clinical testing. Allele origin: germline.

Labcorp Genetics (formerly Invitae), Labcorp
Classification: Uncertain significance for Bethlem myopathy 1A. Last evaluated: 2022-11-09. Review status: criteria provided, single submitter. Criteria: Invitae Variant Classification Sherloc (09022015). Collection method: clinical testing. Allele origin: germline.
Comment: This sequence change replaces isoleucine, which is neutral and non-polar, with asparagine, which is neutral and polar, at codon 1609 of the COL6A3 protein (p.Ile1609Asn). This variant is not present in population databases (gnomAD no frequency). This variant has not been reported in the literature in individuals affected with COL6A3-related conditions. Advanced modeling of protein sequence and biophysical properties (such as structural, functional, and spatial information, amino acid conservation, physicochemical variation, residue mobility, and thermodynamic stability) performed at Invitae indicates that this missense variant is not expected to disrupt COL6A3 protein function. In summary, the available evidence is currently insufficient to determine the role of this variant in disease. Therefore, it has been classified as a Variant of Uncertain Significance.